The following is an entry in ClinVar:

ClinVar aggregate classification (germline): Uncertain significance. Review status: criteria provided, multiple submitters, no conflicts (2 of 4 stars). 2 submissions from 2 submitters: Uncertain significance (2). Last evaluated 2024-07-22.

Conditions:
Primary ciliary dyskinesia. Also called: Ciliary dyskinesia. Identifiers: Orphanet 244, MedGen C0008780, MONDO:0016575, HP:0012265.

Allele frequency attached by ClinVar (database versions not stated): gnomAD 0.00002; ExAC 0.00003; TOPMed 0.00004.
gnomAD v4.1: 31 of 1,575,694 alleles (0.002%); highest among the groups gnomAD compares: African/African-American, 0.0095%; no homozygotes.

Submissions (2):

Ambry Genetics
Classification: Uncertain significance for Primary ciliary dyskinesia. Last evaluated: 2024-07-22. Review status: criteria provided, single submitter. Criteria: Ambry Variant Classification Scheme 2023. Collection method: clinical testing. Allele origin: germline.

Labcorp Genetics (formerly Invitae), Labcorp
Classification: Uncertain significance for Primary ciliary dyskinesia. Last evaluated: 2022-04-10. Review status: criteria provided, single submitter. Criteria: Invitae Variant Classification Sherloc (09022015). Collection method: clinical testing. Allele origin: germline.
Comment: In summary, the available evidence is currently insufficient to determine the role of this variant in disease. Therefore, it has been classified as a Variant of Uncertain Significance. Algorithms developed to predict the effect of missense changes on protein structure and function output the following: SIFT: "Tolerated"; PolyPhen-2: "Benign"; Align-GVGD: "Class C0". The serine amino acid residue is found in multiple mammalian species, which suggests that this missense change does not adversely affect protein function. This variant has not been reported in the literature in individuals affected with DNAAF5-related conditions. The frequency data for this variant in the population databases is considered unreliable, as metrics indicate poor data quality at this position in the gnomAD database. This sequence change replaces glycine, which is neutral and non-polar, with serine, which is neutral and polar, at codon 534 of the DNAAF5 protein (p.Gly534Ser).

NM_017802.4(DNAAF5):c.1600G>A (p.Gly534Ser)

Gene: DNAAF5 (dynein axonemal assembly factor 5; plus strand). Cytogenetic location: 7p22.3.
Variant type: single nucleotide variant.
Coding change: c.1600G>A on transcript NM_017802.4 (MANE Select); coding-DNA position 1600, G replaced by A.
Protein change: p.Gly534Ser; replaces glycine 534 with serine.
Molecular consequence: missense variant. On other transcripts: non-coding transcript variant (1).
Genome position (GRCh38, 1-based): chr7:761,882, G>A. VCF-style: chr7-761882-G-A. GRCh37 (hg19) VCF-style: chr7-801519-G-A.
Other names: c.1600G>A (NM_017802.3); short protein forms G534S.
Identifiers: ClinVar variation 2158357 (VCV002158357.5), dbSNP rs772828443, ClinGen allele CA4110795.